The following is an entry in ClinVar:

NM_000080.4(CHRNE):c.433C>T (p.Arg145Cys)

Genes: C17orf107 (chromosome 17 open reading frame 107; plus strand), CHRNE (cholinergic receptor nicotinic epsilon subunit; minus strand). Cytogenetic location: 17p13.2.
Variant type: single nucleotide variant.
Coding change: c.433C>T on transcript NM_000080.4 (MANE Select); coding-DNA position 433, C replaced by T.
Protein change: p.Arg145Cys; replaces arginine 145 with cysteine.
Molecular consequence: missense variant. On other transcripts: 3 prime UTR variant (1).
Genome position (GRCh38, 1-based): chr17:4,901,999, G>A on the plus strand (C>T on the coding strand, the complement: CHRNE is on the minus strand). VCF-style: chr17-4901999-G-A. GRCh37 (hg19) VCF-style: chr17-4805294-G-A.
Other names: c.*1466G>A (NM_001145536.2); short protein forms R145C.
Identifiers: ClinVar variation 422577 (VCV000422577.8), dbSNP rs1064795871, ClinGen allele CA16620463.
Genomic context (GRCh38, chr17:4,901,999, plus strand): 5'-TAAGCGAACAGTTCTGCCAATCGAAGGGGAAGTAGGTGACCTCCACTGCGCAGACGCTGC[G>A]GTAGATGGCCGGAGGCAGCCACGTCACGGAGCCGCCCTCGTAGACGAGCACGTTGGCGTC-3'
Protein context (NP_000071.1, residues 135-155): SVTWLPPAIY[Arg145Cys]SVCAVEVTYF

ClinVar aggregate classification (germline): Uncertain significance. Review status: criteria provided, multiple submitters, no conflicts (2 of 4 stars). 2 submissions from 2 submitters: Uncertain significance (2). Last evaluated 2025-07-30.

Conditions:
Congenital myasthenic syndrome 4A. Also called: MYASTHENIC SYNDROME, CONGENITAL, 4A, SLOW-CHANNEL, AUTOSOMAL RECESSIVE; CONGENITAL MYASTHENIC SYNDROME TYPE Ia1; Myasthenic syndrome, congenital, 4a, slow-channel. Identifiers: Orphanet 590, MedGen C4225413, MONDO:0011600, OMIM 605809.

Allele frequency attached by ClinVar (database versions not stated): gnomAD exomes below 0.00001; TOPMed below 0.00001.
gnomAD v4.1: 1 of 1,614,114 alleles (0.000062%); highest among the groups gnomAD compares: Admixed American, 0.0017%; no homozygotes.

Submissions (2):

Labcorp Genetics (formerly Invitae), Labcorp
Classification: Uncertain significance for Congenital myasthenic syndrome 4A. Last evaluated: 2025-07-30. Review status: criteria provided, single submitter. Criteria: Invitae Variant Classification Sherloc (09022015). Collection method: clinical testing. Allele origin: germline.
Comment: This sequence change replaces arginine, which is basic and polar, with cysteine, which is neutral and slightly polar, at codon 145 of the CHRNE protein (p.Arg145Cys). This variant is not present in population databases (gnomAD no frequency). This variant has not been reported in the literature in individuals affected with CHRNE-related conditions. ClinVar contains an entry for this variant (Variation ID: 422577). Invitae Evidence Modeling of protein sequence and biophysical properties (such as structural, functional, and spatial information, amino acid conservation, physicochemical variation, residue mobility, and thermodynamic stability) indicates that this missense variant is expected to disrupt CHRNE protein function with a positive predictive value of 95%. In summary, the available evidence is currently insufficient to determine the role of this variant in disease. Therefore, it has been classified as a Variant of Uncertain Significance.

GeneDx
Classification: Uncertain significance. Last evaluated: 2016-11-02. Review status: criteria provided, single submitter. Criteria: GeneDx Variant Classification (06012015). Collection method: clinical testing. Allele origin: germline. Affected: yes.
Comment: The R145C variant in the CHRNE gene has not been reported previously as a pathogenic variant, nor as a benign variant, to our knowledge. This variant was not observed in approximately 6500 individuals of European and African American ancestry in the NHLBI Exome Sequencing Project, indicating it is not a common benign variant in these populations. The R145C variant is a non-conservative amino acid substitution, which is likely to impact secondary protein structure as these residues differ in polarity, charge, size and/or other properties. This substitution occurs at a position that is conserved across species, and in silico analysis predicts this variant is probably damaging to the protein structure/function. We interpret R145C as a variant of uncertain significance.